The following is an entry in ClinVar:

ClinVar aggregate classification (germline): Benign. Review status: criteria provided, single submitter (1 of 4 stars). 2 submissions from 1 submitter: Benign (2). Last evaluated 2018-01-12.

Conditions:
Adult-onset proximal spinal muscular atrophy, autosomal dominant. Also called: FINKEL LATE-ADULT TYPE SMA; Spinal muscular atrophy, late-onset, finkel type. Identifiers: Orphanet 209335, MedGen C1854058, MONDO:0008453, OMIM 182980.
Amyotrophic lateral sclerosis type 8 (ALS8). Identifiers: Orphanet 803, MedGen C1837728, MONDO:0012077, OMIM 608627.

Allele frequency attached by ClinVar (database versions not stated): TOPMed 0.00003; gnomAD 0.00004 and 0.00027; gnomAD exomes 0.00007 and 0.00012; ExAC 0.00018; 1000 Genomes Project 30x 0.00141; 1000 Genomes Project 0.00180.
gnomAD v4.1: 76 of 454,362 alleles (0.017%); highest among the groups gnomAD compares: East Asian, 0.52%; 4 homozygotes.

Submissions (2):

Illumina Laboratory Services, Illumina
Classification: Benign for Amyotrophic lateral sclerosis type 8. Last evaluated: 2018-01-12. Review status: criteria provided, single submitter. Criteria: ICSL Variant Classification Criteria 13 December 2019. Collection method: clinical testing. Allele origin: germline.
Comment: This variant was observed in the ICSL laboratory as part of a predisposition screen in an ostensibly healthy population. It had not been previously curated by ICSL or reported in the Human Gene Mutation Database (HGMD: prior to June 1st, 2018), and was therefore a candidate for classification through an automated scoring system. Utilizing variant allele frequency, disease prevalence and penetrance estimates, and inheritance mode, an automated score was calculated to assess if this variant is too frequent to cause the disease. Based on the score and internal cut-off values, a variant classified as benign is not then subjected to further curation. The score for this variant resulted in a classification of benign for this disease.

Illumina Laboratory Services, Illumina
Classification: Benign for Adult-onset proximal spinal muscular atrophy, autosomal dominant. Last evaluated: 2018-01-12. Review status: criteria provided, single submitter. Criteria: ICSL Variant Classification Criteria 13 December 2019. Collection method: clinical testing. Allele origin: germline.
Comment: the same text as in the submission from Illumina Laboratory Services, Illumina above.

NM_004738.5(VAPB):c.*884A>G

Gene: VAPB (VAMP associated protein B and C; plus strand). Cytogenetic location: 20q13.32.
Variant type: single nucleotide variant.
Coding change: c.*884A>G on transcript NM_004738.5 (MANE Select); 884 bases downstream of the stop codon, A replaced by G.
Molecular consequence: 3 prime UTR variant. On other transcripts: non-coding transcript variant (1).
Genome position (GRCh38, 1-based): chr20:58,445,119, A>G. VCF-style: chr20-58445119-A-G. GRCh37 (hg19) VCF-style: chr20-57020175-A-G.
Other names: c.*954A>G (NM_001195677.2).
Identifiers: ClinVar variation 338942 (VCV000338942.6), dbSNP rs3746398, ClinGen allele CA9924415.
Genomic context (GRCh38, chr20:58,445,119, plus strand): 5'-GGCTCCTCTGTCTCTGGAGAGTCTGGTCATGTGGAGGTGGGGTTTATTGGGATGCTGGAG[A>G]AGAGCTGCCAGGAAGTGTTTTTTCTGGGTCAGTAAATAACAACTGTCATAGGGAGGGAAA-3'